The following is an entry in ClinVar:

NM_005732.4(RAD50):c.1915G>A (p.Glu639Lys)

Gene: RAD50 (RAD50 double strand break repair protein; plus strand). Cytogenetic location: 5q31.1.
Variant type: single nucleotide variant.
Coding change: c.1915G>A on transcript NM_005732.4 (MANE Select); coding-DNA position 1915, G replaced by A.
Protein change: p.Glu639Lys; replaces glutamic acid 639 with lysine.
Molecular consequence: missense variant.
Genome position (GRCh38, 1-based): chr5:132,594,990, G>A. VCF-style: chr5-132594990-G-A. GRCh37 (hg19) VCF-style: chr5-131930682-G-A.
Other names: short protein forms E639K.
Identifiers: ClinVar variation 2755230 (VCV002755230.3), dbSNP rs2479650061, ClinGen allele CA360948172.
Genomic context (GRCh38, chr5:132,594,990, plus strand): 5'-GAAGAGCAGTTGTCCAGTTACGAAGACAAGCTGTTTGATGTTTGTGGTAGCCAGGATTTT[G>A]AAAGTGATTTAGACAGGCTTAAAGAGGAAATTGAAAAATCATCAAAACAGCGAGGTAAGT-3'
Protein context (NP_005723.2, residues 629-649): LFDVCGSQDF[Glu639Lys]SDLDRLKEEI

ClinVar aggregate classification (germline): Uncertain significance (1 of 4 stars; one submission).

Conditions:
Hereditary cancer-predisposing syndrome. Also called: Neoplastic Syndromes, Hereditary; Hereditary Cancer Syndrome; Tumor predisposition; Hereditary neoplastic syndrome. Identifiers: Orphanet 140162, MedGen C0027672, MeSH D009386, MONDO:0015356.

Submission:

Labcorp Genetics (formerly Invitae), Labcorp
Classification: Uncertain significance for Hereditary cancer-predisposing syndrome. Last evaluated: 2023-08-25. Review status: criteria provided, single submitter. Criteria: Invitae Variant Classification Sherloc (09022015). Collection method: clinical testing. Allele origin: germline.
Comment: This variant is not present in population databases (gnomAD no frequency). This sequence change replaces glutamic acid, which is acidic and polar, with lysine, which is basic and polar, at codon 639 of the RAD50 protein (p.Glu639Lys). In summary, the available evidence is currently insufficient to determine the role of this variant in disease. Therefore, it has been classified as a Variant of Uncertain Significance. Advanced modeling of protein sequence and biophysical properties (such as structural, functional, and spatial information, amino acid conservation, physicochemical variation, residue mobility, and thermodynamic stability) has been performed at Invitae for this missense variant, however the output from this modeling did not meet the statistical confidence thresholds required to predict the impact of this variant on RAD50 protein function. This variant has not been reported in the literature in individuals affected with RAD50-related conditions.